The following is an entry in ClinVar:

NM_000112.4(SLC26A2):c.156_159del (p.His52fs)

Gene: SLC26A2 (solute carrier family 26 member 2; plus strand). Cytogenetic location: 5q32.
Variant type: Deletion.
Coding change: c.156_159del on transcript NM_000112.4 (MANE Select); coding-DNA positions 156 to 159, 4 bases deleted (TAGG; older notation c.156_159delTAGG).
Protein change: p.His52fs; shifts the reading frame from histidine 52.
Molecular consequence: frameshift variant.
Genome position (GRCh38, 1-based): chr5:149,977,808-149,977,811, TAGG deleted. VCF-style (leftmost placement, unchanged base first): chr5-149977807-ATAGG-A. GRCh37 (hg19) VCF-style: chr5-149357370-ATAGG-A.
Other names: c.156_159delTAGG, p.His52Glnfs (NM_000112.3); short protein forms H52fs.
Identifiers: ClinVar variation 4817458 (VCV004817458.1).
Genomic context (GRCh38, chr5:149,977,807, plus strand): 5'-AAAGGGAATCAAGTACTGACTTCAAGCAATTTGAGACCAATGATCAATGCAGACCTTATC[ATAGG>A]ATCCTTATTGAGCGTCAAGAGAAATCAGATACAAACTTCAAGGAGTTTGTTATTAAAAAG-3'

ClinVar aggregate classification (germline): Likely pathogenic (1 of 4 stars; one submission).

Conditions:
Achondrogenesis, type IB (ACG1B). Also called: Achondrogenesis Type 1B. Identifiers: Orphanet 932, Orphanet 93298, MedGen C0265274, MONDO:0010966, OMIM 600972.

Submission:

Natera, Inc.
Classification: Likely pathogenic for Achondrogenesis type IB. Last evaluated: 2025-11-12. Review status: criteria provided, single submitter. Criteria: Natera Variant Classification Schema (03/2026). Collection method: clinical testing. Allele origin: germline.
Comment: The c.156_159del variant in SLC26A2 is a frameshift variant predicted to shift the reading frame beginning at codon 52 and leads to a stop codon 36 codons downstream. This variant is expected to result in nonsense mediated decay, truncation, or a dysfunctional protein product. This variant is rare in the general population with a frequency below the threshold expected for the associated phenotype(s). Given the available evidence, this variant is classified as Likely Pathogenic.